The following is an entry in ClinVar:

NM_130837.3(OPA1):c.2046_2047del (p.Arg682fs)

Gene: OPA1 (OPA1 mitochondrial dynamin like GTPase; plus strand). Cytogenetic location: 3q29.
Variant type: Microsatellite.
Coding change: c.2046_2047del on transcript NM_130837.3 (MANE Select); coding-DNA positions 2046 to 2047, 2 bases deleted (AG; older notation c.2046_2047delAG).
Protein change: p.Arg682fs; shifts the reading frame from arginine 682.
Molecular consequence: frameshift variant.
Genome position (GRCh38, 1-based): chr3:193,654,895-193,654,896, AG deleted; deleting any 2 consecutive bases within chr3:193,654,893-193,654,896 gives the same sequence; the c. name uses the placement nearest the transcript's 3' end. VCF-style (leftmost placement, unchanged base first): chr3-193654892-AAG-A. GRCh37 (hg19) VCF-style: chr3-193372681-AAG-A.
Other names: c.1935_1936del, p.Arg645fs (NM_130834.3); c.1938_1939del, p.Arg646fs (NM_130835.3); c.1992_1993del, p.Arg664fs (NM_130836.3); c.1881_1882del (NM_015560.2); c.1512_1513del, p.Arg504fs (NM_001354663.2); c.1509_1510del, p.Arg503fs (NM_001354664.2); c.1879_1880AG[1], p.Arg627Serfs (NM_015560.2); c.1881_1882del, p.Arg627fs (NM_015560.3); and 3 more; short protein forms R503fs, R645fs, R609fs, R628fs, R664fs, R682fs, R504fs, R627fs.
Identifiers: ClinVar variation 1810660 (VCV001810660.2), dbSNP rs2475017130, ClinGen allele CA2580616035.

ClinVar aggregate classification (germline): Pathogenic (1 of 4 stars; one submission).

Submission:

GeneDx
Classification: Pathogenic. Last evaluated: 2025-09-26. Review status: criteria provided, single submitter. Criteria: GeneDx Variant Classification Process June 2021. Collection method: clinical testing. Allele origin: germline.
Comment: Frameshift variant predicted to result in protein truncation or nonsense mediated decay in a gene for which loss of function is a known mechanism of disease; Not observed at significant frequency in large population cohorts (gnomAD); This variant is associated with the following publications: (PMID: 34242285, 14961560)